The following is an entry in ClinVar:

ClinVar aggregate classification (germline): Uncertain significance (1 of 4 stars; one submission).

Submission:

CeGaT Center for Human Genetics Tuebingen
Classification: Uncertain significance. Last evaluated: 2024-02-01. Review status: criteria provided, single submitter. Criteria: CeGaT Center For Human Genetics Tuebingen Variant Classification Criteria Version 2. Collection method: clinical testing. Allele origin: germline. Affected: yes. Observed: 1 variant allele.
Comment: PQBP1: PM2

NM_001032382.2(PQBP1):c.697A>G (p.Thr233Ala)

Gene: PQBP1 (polyglutamine binding protein 1; plus strand). Cytogenetic location: Xp11.23.
Variant type: single nucleotide variant.
Coding change: c.697A>G on transcript NM_001032382.2 (MANE Select); coding-DNA position 697, A replaced by G.
Protein change: p.Thr233Ala; replaces threonine 233 with alanine.
Molecular consequence: missense variant.
Genome position (GRCh38, 1-based): chrX:48,902,983, A>G. VCF-style: chrX-48902983-A-G. GRCh37 (hg19) VCF-style: chrX-48760260-A-G.
Other names: c.697A>G, p.Thr233Ala (NM_001032384.1, NM_005710.2, NM_001032381.2 and 1 more transcripts); c.694A>G, p.Thr232Ala (NM_001167989.2); c.673A>G, p.Thr225Ala (NM_001167990.2); c.397A>G, p.Thr133Ala (NM_001167992.1); c.412A>G, p.Thr138Ala (NM_144495.3); short protein forms T133A, T138A, T225A, T232A, T233A.
Identifiers: ClinVar variation 3027359 (VCV003027359.22), dbSNP rs2519629251, ClinGen allele CA412891627.